The following is an entry in ClinVar:

NM_206996.4(SPAG17):c.2592A>G (p.Glu864=)

Gene: SPAG17 (sperm associated antigen 17; minus strand). Cytogenetic location: 1p12.
Variant type: single nucleotide variant.
Coding change: c.2592A>G on transcript NM_206996.4 (MANE Select); coding-DNA position 2592, A replaced by G.
Protein change: p.Glu864=; no amino-acid change (glutamic acid 864 retained).
Molecular consequence: synonymous variant.
Genome position (GRCh38, 1-based): chr1:118,055,863, T>C on the plus strand (A>G on the coding strand, the complement: SPAG17 is on the minus strand). VCF-style: chr1-118055863-T-C. GRCh37 (hg19) VCF-style: chr1-118598486-T-C.
Identifiers: ClinVar variation 3049307 (VCV003049307.2), dbSNP rs79742727, ClinGen allele CA1033941.

ClinVar aggregate classification (germline): Likely benign (0 of 4 stars; one submission).

Conditions:
SPAG17-related disorder. Also called: SPAG17-related condition.

Allele frequency attached by ClinVar (database versions not stated): gnomAD exomes 0.00042; ExAC 0.00146; 1000 Genomes Project 0.00399; ESP Exome Variant Server 0.00469; gnomAD 0.00470; 1000 Genomes Project 30x 0.00484; TOPMed 0.00530.
gnomAD v4.1: 1,343 of 1,612,394 alleles (0.083%); highest among the groups gnomAD compares: African/African-American, 1.6%; 14 homozygotes.

Submission:

PreventionGenetics, part of Exact Sciences
Classification: Likely benign for SPAG17-related condition. Last evaluated: 2019-02-28. Review status: no assertion criteria provided. Collection method: clinical testing. Allele origin: germline.
Comment: This variant is classified as likely benign based on ACMG/AMP sequence variant interpretation guidelines (Richards et al. 2015 PMID: 25741868, with internal and published modifications).